The following is an entry in ClinVar:

ClinVar aggregate classification (germline): Likely pathogenic (1 of 4 stars; one submission).

Conditions:
Intellectual developmental disorder with seizures and language delay (IDDSELD). Identifiers: MedGen C5436574, MONDO:0033559, OMIM 619000.

Allele frequency attached by ClinVar (database versions not stated): gnomAD exomes below 0.00001 and 0.00001.

Submission:

Women's Health and Genetics/Laboratory Corporation of America, LabCorp
Classification: Likely pathogenic for Intellectual developmental disorder with seizures and language delay. Last evaluated: 2021-11-09. Review status: criteria provided, single submitter. Criteria: LabCorp Variant Classification Summary - May 2015. Collection method: clinical testing. Allele origin: germline.
Comment: Variant summary: SETD1B c.544+2T>C is located in a canonical splice-site and is predicted to affect mRNA splicing resulting in a significantly altered protein due to either exon skipping, shortening, or inclusion of intronic material. Several computational tools predict a significant impact on normal splicing: Three predict the variant abolishes a 5' splicing donor site and one predicts the variant weakens a 5' donor site. However, these predictions have yet to be confirmed by functional studies. The variant allele was found at a frequency of 6.6e-06 in 152154 control chromosomes (gnomAD). To our knowledge, no occurrence of c.544+2T>C in individuals affected with Intellectual Developmental Disorder With Seizures And Language Delay and no experimental evidence demonstrating its impact on protein function have been reported. No clinical diagnostic laboratories have submitted clinical-significance assessments for this variant to ClinVar after 2014. Other SETD1B loss-of-function variants are cited in ClinVar and HGMD as pathogenic and disease-associated. Based on the evidence outlined above, the variant was classified as likely pathogenic.

NM_001353345.2(SETD1B):c.544+2T>C

Gene: SETD1B (SET domain containing 1B, histone lysine methyltransferase; plus strand). Cytogenetic location: 12q24.31.
Variant type: single nucleotide variant.
Coding change: c.544+2T>C on transcript NM_001353345.2 (MANE Select); the canonical splice donor site of the intron after coding-DNA position 544, T replaced by C.
Molecular consequence: splice donor variant.
Genome position (GRCh38, 1-based): chr12:121,806,107, T>C. VCF-style: chr12-121806107-T-C. GRCh37 (hg19) VCF-style: chr12-122244013-T-C.
Identifiers: ClinVar variation 1329008 (VCV001329008.1), dbSNP rs1419959359, ClinGen allele CA386988511.